The following is an entry in ClinVar:

NM_015164.4(PLEKHM2):c.2935C>T (p.His979Tyr)

Gene: PLEKHM2 (pleckstrin homology and RUN domain containing M2; plus strand). Cytogenetic location: 1p36.21.
Variant type: single nucleotide variant.
Coding change: c.2935C>T on transcript NM_015164.4 (MANE Select); coding-DNA position 2935, C replaced by T.
Protein change: p.His979Tyr; replaces histidine 979 with tyrosine.
Molecular consequence: missense variant.
Genome position (GRCh38, 1-based): chr1:15,733,809, C>T. VCF-style: chr1-15733809-C-T. GRCh37 (hg19) VCF-style: chr1-16060304-C-T.
Other names: c.2875C>T, p.His959Tyr (NM_001410755.1); c.2935C>T (NM_015164.2); short protein forms H959Y, H979Y.
Identifiers: ClinVar variation 2733619 (VCV002733619.4), dbSNP rs756795422, ClinGen allele CA18269464.

ClinVar aggregate classification (germline): Uncertain significance. Review status: criteria provided, multiple submitters, no conflicts (2 of 4 stars). 2 submissions from 2 submitters: Uncertain significance (2). Last evaluated 2024-12-04.

gnomAD v4.1: 15 of 1,612,878 alleles (0.00093%); highest among the groups gnomAD compares: South Asian, 0.0033%; no homozygotes.

Submissions (2):

Ambry Genetics
Classification: Uncertain significance. Last evaluated: 2024-12-04. Review status: criteria provided, single submitter. Criteria: Ambry Variant Classification Scheme 2023. Collection method: clinical testing. Allele origin: germline.

Labcorp Genetics (formerly Invitae), Labcorp
Classification: Uncertain significance. Last evaluated: 2024-05-16. Review status: criteria provided, single submitter. Criteria: Invitae Variant Classification Sherloc (09022015). Collection method: clinical testing. Allele origin: germline.
Comment: This sequence change replaces histidine, which is basic and polar, with tyrosine, which is neutral and polar, at codon 979 of the PLEKHM2 protein (p.His979Tyr). This variant is present in population databases (no rsID available, gnomAD 0.0009%). This variant has not been reported in the literature in individuals affected with PLEKHM2-related conditions. An algorithm developed to predict the effect of missense changes on protein structure and function (PolyPhen-2) suggests that this variant is likely to be tolerated. In summary, the available evidence is currently insufficient to determine the role of this variant in disease. Therefore, it has been classified as a Variant of Uncertain Significance.